The following is an entry in ClinVar:

ClinVar aggregate classification (germline): Uncertain significance (1 of 4 stars; one submission).

Allele frequency attached by ClinVar (database versions not stated): gnomAD exomes below 0.00001.
gnomAD v4.1: 1 of 1,614,194 alleles (0.000062%); highest among the groups gnomAD compares: Non-Finnish European, 0.000085%; no homozygotes.

Submission:

CeGaT Center for Human Genetics Tuebingen
Classification: Uncertain significance. Last evaluated: 2024-04-01. Review status: criteria provided, single submitter. Criteria: CeGaT Center For Human Genetics Tuebingen Variant Classification Criteria Version 2. Collection method: clinical testing. Allele origin: germline. Affected: yes. Observed: 1 variant allele.
Comment: COL4A2: PM2

NM_001846.4(COL4A2):c.644G>A (p.Arg215Lys)

Gene: COL4A2 (collagen type IV alpha 2 chain; plus strand). Cytogenetic location: 13q34.
Variant type: single nucleotide variant.
Coding change: c.644G>A on transcript NM_001846.4 (MANE Select); coding-DNA position 644, G replaced by A.
Protein change: p.Arg215Lys; replaces arginine 215 with lysine.
Molecular consequence: missense variant.
Genome position (GRCh38, 1-based): chr13:110,430,603, G>A. VCF-style: chr13-110430603-G-A. GRCh37 (hg19) VCF-style: chr13-111082950-G-A.
Other names: short protein forms R215K.
Identifiers: ClinVar variation 3234519 (VCV003234519.20), dbSNP rs2502060323, ClinGen allele CA388730230.